The following is an entry in ClinVar:

ClinVar aggregate classification (germline): Pathogenic (0 of 4 stars; one submission).

Conditions:
Autism spectrum disorder due to AUTS2 deficiency (MRD26). Also called: INTELLECTUAL DEVELOPMENTAL DISORDER, AUTOSOMAL DOMINANT 26. Identifiers: Orphanet 352490, MedGen C4014435, MONDO:0014361, OMIM 615834.

Submission:

Institute of Human Genetics, Heidelberg University
Classification: Pathogenic for Autism spectrum disorder due to AUTS2 deficiency. Last evaluated: 2020-09-28. Review status: no assertion criteria provided. Collection method: clinical testing. Allele origin: de novo. Inheritance: Autosomal dominant inheritance. Affected: yes.
Comment: This deletion encompasses exon 6 of AUTS2. Exon 6 deletions have previously been described to cause C-terminal protein disruption by frameshift and severe expression of AUTS2 syndrome (PMID 23332918, PMID 27531620, PMID 27075013). The variant has not been detected in control populations (PMID 23332918).

Single allele

Gene: AUTS2 (activator of transcription and developmental regulator AUTS2; plus strand). Cytogenetic location: 7q11.22.
Variant type: Deletion.
Identifiers: ClinVar variation 981243 (VCV000981243.3).